The following is an entry in ClinVar:

NM_000091.5(COL4A3):c.2662G>A (p.Asp888Asn)

Genes: COL4A3 (collagen type IV alpha 3 chain; plus strand), MFF-DT (MFF divergent transcript; minus strand). Cytogenetic location: 2q36.3.
Variant type: single nucleotide variant.
Coding change: c.2662G>A on transcript NM_000091.5 (MANE Select); coding-DNA position 2662, G replaced by A.
Protein change: p.Asp888Asn; replaces aspartic acid 888 with asparagine.
Molecular consequence: missense variant.
Genome position (GRCh38, 1-based): chr2:227,283,772, G>A. VCF-style: chr2-227283772-G-A. GRCh37 (hg19) VCF-style: chr2-228148488-G-A.
Other names: c.2662G>A (NM_000091.4); short protein forms D888N.
Identifiers: ClinVar variation 1149487 (VCV001149487.14), dbSNP rs376762135, ClinGen allele CA2146987.

ClinVar aggregate classification (germline): Conflicting classifications of pathogenicity. Review status: criteria provided, conflicting classifications (1 of 4 stars). 6 submissions from 6 submitters: Uncertain significance (4); Likely benign (2). Last evaluated 2026-01-06.

Conditions:
Inborn genetic diseases. Identifiers: MedGen C0950123, MeSH D030342.
Alport syndrome. Also called: Hemorrhagic familial nephritis; Hemorrhagic hereditary nephritis; Congenital hereditary hematuria. Identifiers: Orphanet 63, MedGen C1567741, MONDO:0018965.
COL4A3-related disorder. Also called: COL4A3-Related Disorders; COL4A3-related condition.

Allele frequency attached by ClinVar (database versions not stated): gnomAD exomes 0.00001 and 0.00007; ExAC 0.00008; gnomAD 0.00009 and 0.00010; TOPMed 0.00009; 1000 Genomes Project 30x 0.00016; 1000 Genomes Project 0.00020.
gnomAD v4.1: 48 of 1,614,066 alleles (0.003%); highest among the groups gnomAD compares: East Asian, 0.047%; no homozygotes.

Submissions (6):

Labcorp Genetics (formerly Invitae), Labcorp
Classification: Likely benign. Last evaluated: 2026-01-06. Review status: criteria provided, single submitter. Criteria: Invitae Variant Classification Sherloc (09022015). Collection method: clinical testing. Allele origin: germline.

PreventionGenetics, part of Exact Sciences
Classification: Uncertain significance for COL4A3-related condition. Last evaluated: 2025-07-24. Review status: criteria provided, single submitter. Criteria: ACMG Guidelines, 2015. Collection method: clinical testing. Allele origin: germline.
Comment: The COL4A3 c.2662G>A variant is predicted to result in the amino acid substitution p.Asp888Asn. To our knowledge, this variant has not been reported in the literature. This variant is reported in 0.077% of alleles in individuals of East Asian descent in gnomAD. Although we suspect that this variant may be benign, at this time, the clinical significance of this variant is uncertain due to the absence of conclusive functional and genetic evidence.

GeneDx
Classification: Uncertain significance. Last evaluated: 2025-06-18. Review status: criteria provided, single submitter. Criteria: GeneDx Variant Classification Process June 2021. Collection method: clinical testing. Allele origin: germline.
Comment: In silico analysis suggests that this missense variant does not alter protein structure/function; Occurs in the triple helical domain at the Y position in the canonical Gly-X-Y repeat; although this variant may have an effect on normal protein folding and function, missense substitution at the Y position is not a common mechanism of disease; Has not been previously published as pathogenic or benign to our knowledge

Ambry Genetics
Classification: Likely benign for Inborn genetic diseases. Last evaluated: 2024-10-20. Review status: criteria provided, single submitter. Criteria: Ambry Variant Classification Scheme 2023. Collection method: clinical testing. Allele origin: germline.

Revvity Omics, Revvity
Classification: Uncertain significance. Last evaluated: 2024-08-19. Review status: criteria provided, single submitter. Criteria: ACMG Guidelines, 2015. Collection method: clinical testing. Allele origin: germline.

Department of Pathology and Laboratory Medicine, Sinai Health System
Classification: Uncertain significance for Alport syndrome. Last evaluated: 2022-10-23. Review status: criteria provided, single submitter. Criteria: ACMG Guidelines, 2015. Collection method: research. Allele origin: germline.